The following is an entry in ClinVar:

NM_005732.4(RAD50):c.1388A>C (p.Glu463Ala)

Gene: RAD50 (RAD50 double strand break repair protein; plus strand). Cytogenetic location: 5q31.1.
Variant type: single nucleotide variant.
Coding change: c.1388A>C on transcript NM_005732.4 (MANE Select); coding-DNA position 1388, A replaced by C.
Protein change: p.Glu463Ala; replaces glutamic acid 463 with alanine.
Molecular consequence: missense variant.
Genome position (GRCh38, 1-based): chr5:132,589,773, A>C. VCF-style: chr5-132589773-A-C. GRCh37 (hg19) VCF-style: chr5-131925465-A-C.
Other names: c.1388A>C (NM_005732.3); short protein forms E463A.
Identifiers: ClinVar variation 2145799 (VCV002145799.6), dbSNP rs2479637258, ClinGen allele CA360944530.
Genomic context (GRCh38, chr5:132,589,773, plus strand): 5'-TTGAGTTAAAATCAGAAATCCTAAGTAAGAAGCAGAATGAGCTGAAAAATGTGAAGTATG[A>C]ATTACAGCAGTTGGAAGGATCTTCAGACAGGATTCTTGAACTGGACCAGGAGCTCATAAA-3'
Protein context (NP_005723.2, residues 453-473): KQNELKNVKY[Glu463Ala]LQQLEGSSDR

ClinVar aggregate classification (germline): Uncertain significance. Review status: criteria provided, multiple submitters, no conflicts (2 of 4 stars). 2 submissions from 2 submitters: Uncertain significance (2). Last evaluated 2023-03-31.

Conditions:
Hereditary cancer-predisposing syndrome. Also called: Neoplastic Syndromes, Hereditary; Tumor predisposition; Hereditary neoplastic syndrome; Hereditary Cancer Syndrome. Identifiers: Orphanet 140162, MedGen C0027672, MeSH D009386, MONDO:0015356.

Allele frequency attached by ClinVar (database versions not stated): gnomAD exomes below 0.00001.
gnomAD v4.1: 1 of 1,613,808 alleles (0.000062%); highest among the groups gnomAD compares: Non-Finnish European, 0.000085%; no homozygotes.

Submissions (2):

Ambry Genetics
Classification: Uncertain significance for Hereditary cancer-predisposing syndrome. Last evaluated: 2023-03-31. Review status: criteria provided, single submitter. Criteria: Ambry Variant Classification Scheme 2023. Collection method: clinical testing. Allele origin: germline.
Comment: The p.E463A variant (also known as c.1388A>C), located in coding exon 9 of the RAD50 gene, results from an A to C substitution at nucleotide position 1388. The glutamic acid at codon 463 is replaced by alanine, an amino acid with dissimilar properties. This amino acid position is conserved. In addition, this alteration is predicted to be tolerated by in silico analysis. Since supporting evidence is limited at this time, the clinical significance of this alteration remains unclear.

Labcorp Genetics (formerly Invitae), Labcorp
Classification: Uncertain significance for Hereditary cancer-predisposing syndrome. Last evaluated: 2022-08-10. Review status: criteria provided, single submitter. Criteria: Invitae Variant Classification Sherloc (09022015). Collection method: clinical testing. Allele origin: germline.
Comment: This sequence change replaces glutamic acid, which is acidic and polar, with alanine, which is neutral and non-polar, at codon 463 of the RAD50 protein (p.Glu463Ala). This variant is not present in population databases (gnomAD no frequency). This variant has not been reported in the literature in individuals affected with RAD50-related conditions. Algorithms developed to predict the effect of missense changes on protein structure and function are either unavailable or do not agree on the potential impact of this missense change (SIFT: "Deleterious"; PolyPhen-2: "Benign"; Align-GVGD: "Class C15"). In summary, the available evidence is currently insufficient to determine the role of this variant in disease. Therefore, it has been classified as a Variant of Uncertain Significance.